The following is an entry in ClinVar:

NM_001130009.3(GEN1):c.824G>A (p.Arg275His)

Gene: GEN1 (GEN1 structure-specific endonuclease; plus strand). Cytogenetic location: 2p24.2.
Variant type: single nucleotide variant.
Coding change: c.824G>A on transcript NM_001130009.3 (MANE Select); coding-DNA position 824, G replaced by A.
Protein change: p.Arg275His; replaces arginine 275 with histidine.
Molecular consequence: missense variant.
Genome position (GRCh38, 1-based): chr2:17,772,655, G>A. VCF-style: chr2-17772655-G-A. GRCh37 (hg19) VCF-style: chr2-17953922-G-A.
Other names: c.824G>A, p.Arg275His (NM_182625.5); c.824G>A (NM_001130009.1); short protein forms R275H.
Identifiers: ClinVar variation 1054007 (VCV001054007.8), dbSNP rs202239270, ClinGen allele CA1540578.
Genomic context (GRCh38, chr2:17,772,655, plus strand): 5'-AGGCAAAAAATATTATACTTTTTTTGGGTCTCCATAAAGGTTCACCTAAGGATCATGAAC[G>A]TAATGGATGCAGATTATGTAAAAGTGATAAATATTGTGAGCCACATGACTATGAATACTG-3'
Protein context (NP_001123481.3, residues 265-285): SHPGSPKDHE[Arg275His]NGCRLCKSDK

ClinVar aggregate classification (germline): Uncertain significance. Review status: criteria provided, multiple submitters, no conflicts (2 of 4 stars). 2 submissions from 2 submitters: Uncertain significance (2). Last evaluated 2025-12-06.

Allele frequency attached by ClinVar (database versions not stated): gnomAD exomes 0.00015 and 0.00016; TOPMed 0.00015; ExAC 0.00019; gnomAD 0.00019; ESP Exome Variant Server 0.00023; 1000 Genomes Project 30x 0.00031; 1000 Genomes Project 0.00040.
gnomAD v4.1: 248 of 1,610,562 alleles (0.015%); highest among the groups gnomAD compares: East Asian, 0.038%; 1 homozygote.

Submissions (2):

Labcorp Genetics (formerly Invitae), Labcorp
Classification: Uncertain significance. Last evaluated: 2025-12-06. Review status: criteria provided, single submitter. Criteria: Invitae Variant Classification Sherloc (09022015). Collection method: clinical testing. Allele origin: germline.
Comment: This sequence change replaces arginine, which is basic and polar, with histidine, which is basic and polar, at codon 275 of the GEN1 protein (p.Arg275His). This variant is present in population databases (rs202239270, gnomAD 0.07%), and has an allele count higher than expected for a pathogenic variant. This variant has not been reported in the literature in individuals affected with GEN1-related conditions. ClinVar contains an entry for this variant (Variation ID: 1054007). An algorithm developed to predict the effect of missense changes on protein structure and function outputs the following: PolyPhen-2: "Benign". The histidine amino acid residue is found in multiple mammalian species, which suggests that this missense change does not adversely affect protein function. In summary, the available evidence is currently insufficient to determine the role of this variant in disease. Therefore, it has been classified as a Variant of Uncertain Significance.

Ambry Genetics
Classification: Uncertain significance. Last evaluated: 2023-06-22. Review status: criteria provided, single submitter. Criteria: Ambry Variant Classification Scheme 2023. Collection method: clinical testing. Allele origin: germline.
Comment: Does not currently meet published gene-disease clinical validity criteria Based on insufficient or conflicting evidence, the clinical significance of this alteration remains unclear.

Literature cited by the submitters: PubMed 28106320 (cited by Ambry Genetics).